The following is an entry in ClinVar:

NM_001101677.2(SOHLH1):c.653C>T (p.Pro218Leu)

Gene: SOHLH1 (spermatogenesis and oogenesis specific basic helix-loop-helix 1; minus strand). Cytogenetic location: 9q34.3.
Variant type: single nucleotide variant.
Coding change: c.653C>T on transcript NM_001101677.2 (MANE Select); coding-DNA position 653, C replaced by T.
Protein change: p.Pro218Leu; replaces proline 218 with leucine.
Molecular consequence: missense variant.
Genome position (GRCh38, 1-based): chr9:135,696,620, G>A on the plus strand (C>T on the coding strand, the complement: SOHLH1 is on the minus strand). VCF-style: chr9-135696620-G-A. GRCh37 (hg19) VCF-style: chr9-138588466-G-A.
Other names: c.653C>T, p.Pro218Leu (NM_001012415.3); short protein forms P218L.
Identifiers: ClinVar variation 2659712 (VCV002659712.24), dbSNP rs764279580, ClinGen allele CA5325844.

ClinVar aggregate classification (germline): Uncertain significance (1 of 4 stars; one submission).

Allele frequency attached by ClinVar (database versions not stated): gnomAD 0.00001; ExAC 0.00002.
gnomAD v4.1: 5 of 1,612,228 alleles (0.00031%); highest among the groups gnomAD compares: East Asian, 0.0022%; no homozygotes.

Submission:

CeGaT Center for Human Genetics Tuebingen
Classification: Uncertain significance. Last evaluated: 2023-07-01. Review status: criteria provided, single submitter. Criteria: CeGaT Center For Human Genetics Tuebingen Variant Classification Criteria Version 2. Collection method: clinical testing. Allele origin: germline. Affected: yes. Observed: 1 variant allele.
Comment: SOHLH1: PM2:Supporting, BP4